The following is an entry in ClinVar:

NM_015295.3(SMCHD1):c.2944G>C (p.Val982Leu)

Gene: SMCHD1 (structural maintenance of chromosomes flexible hinge domain containing 1; plus strand). Cytogenetic location: 18p11.32.
Variant type: single nucleotide variant.
Coding change: c.2944G>C on transcript NM_015295.3 (MANE Select); coding-DNA position 2944, G replaced by C.
Protein change: p.Val982Leu; replaces valine 982 with leucine.
Molecular consequence: missense variant.
Genome position (GRCh38, 1-based): chr18:2,729,305, G>C. VCF-style: chr18-2729305-G-C. GRCh37 (hg19) VCF-style: chr18-2729303-G-C.
Other names: short protein forms V982L.
Identifiers: ClinVar variation 847260 (VCV000847260.9), dbSNP rs375962247, ClinGen allele CA8871105.

ClinVar aggregate classification (germline): Uncertain significance (1 of 4 stars; one submission).

Conditions:
Facioscapulohumeral muscular dystrophy 2 (FSHD2). Also called: MUSCULAR DYSTROPHY, FACIOSCAPULOHUMERAL, TYPE 1B; FACIOSCAPULOHUMERAL MUSCULAR DYSTROPHY 2, DIGENIC; FSHD2, DIGENIC. Identifiers: Orphanet 269, MedGen C1834671, MONDO:0008031, OMIM 158901.

Allele frequency attached by ClinVar (database versions not stated): gnomAD exomes below 0.00001 and 0.00001; TOPMed 0.00001; gnomAD 0.00002; ExAC 0.00004; ESP Exome Variant Server 0.00009.
gnomAD v4.1: 6 of 1,551,886 alleles (0.00039%); highest among the groups gnomAD compares: Non-Finnish European, 0.00043%; no homozygotes.

Submission:

Labcorp Genetics (formerly Invitae), Labcorp
Classification: Uncertain significance for Facioscapulohumeral muscular dystrophy 2. Last evaluated: 2025-05-27. Review status: criteria provided, single submitter. Criteria: Invitae Variant Classification Sherloc (09022015). Collection method: clinical testing. Allele origin: germline.
Comment: This sequence change replaces valine, which is neutral and non-polar, with leucine, which is neutral and non-polar, at codon 982 of the SMCHD1 protein (p.Val982Leu). This variant is present in population databases (rs375962247, gnomAD 0.005%). This variant has not been reported in the literature in individuals affected with SMCHD1-related conditions. ClinVar contains an entry for this variant (Variation ID: 847260). Invitae Evidence Modeling of protein sequence and biophysical properties (such as structural, functional, and spatial information, amino acid conservation, physicochemical variation, residue mobility, and thermodynamic stability) indicates that this missense variant is not expected to disrupt SMCHD1 protein function with a negative predictive value of 80%. In summary, the available evidence is currently insufficient to determine the role of this variant in disease. Therefore, it has been classified as a Variant of Uncertain Significance.